The following is an entry in ClinVar:

ClinVar aggregate classification (germline): Pathogenic/Likely pathogenic. Review status: criteria provided, multiple submitters, no conflicts (2 of 4 stars). 2 submissions from 2 submitters: Pathogenic (1); Likely pathogenic (1). Last evaluated 2019-05-28.

Conditions:
Early-infantile DEE. Also called: Early infantile epileptic encephalopathy with suppression bursts; Early infantile epileptic encephalopathy; Ohtahara syndrome. Identifiers: Orphanet 1934, MedGen C0393706, MONDO:0800491.
Severe myoclonic epilepsy in infancy (DRVT). Also called: Dravet syndrome; Epileptic encephalopathy, early infantile, 6 (Dravet syndrome); SEVERE MYOCLONIC EPILEPSY OF INFANCY; DEVELOPMENTAL AND EPILEPTIC ENCEPHALOPATHY 6A; Severe Myoclonic Epilepsy in Infancy (SMEI). Identifiers: Orphanet 33069, MedGen C0751122, MONDO:0100135, OMIM 607208.

Submissions (2):

Mendelics
Classification: Likely pathogenic for Severe myoclonic epilepsy in infancy. Last evaluated: 2019-05-28. Review status: criteria provided, single submitter. Criteria: Mendelics Assertion Criteria 2017. Collection method: clinical testing. Allele origin: unknown.

Labcorp Genetics (formerly Invitae), Labcorp
Classification: Pathogenic for Early-infantile DEE. Last evaluated: 2017-07-26. Review status: criteria provided, single submitter. Criteria: Invitae Variant Classification Sherloc (09022015). Collection method: clinical testing. Allele origin: germline.
Comment: This sequence change creates a premature translational stop signal (p.Phe784Hisfs*14) in the SCN1A gene. It is expected to result in an absent or disrupted protein product. This variant is not present in population databases (ExAC no frequency). This variant has not been reported in the literature in individuals with SCN1A-related disease. Loss-of-function variants in SCN1A are known to be pathogenic (PMID: 17347258, 18930999). For these reasons, this variant has been classified as Pathogenic.

Literature cited by the submitters: PubMed 17347258 (cited by Labcorp Genetics (formerly Invitae), Labcorp); PubMed 18930999 (cited by Labcorp Genetics (formerly Invitae), Labcorp).

NM_001165963.4(SCN1A):c.2350_2351del (p.Phe784fs)

Gene: SCN1A (sodium voltage-gated channel alpha subunit 1; minus strand). Cytogenetic location: 2q24.3.
Variant type: Deletion.
Coding change: c.2350_2351del on transcript NM_001165963.4 (MANE Select); coding-DNA positions 2350 to 2351, 2 bases deleted (TT; older notation c.2350_2351delTT).
Protein change: p.Phe784fs; shifts the reading frame from phenylalanine 784.
Molecular consequence: frameshift variant. On other transcripts: 5 prime UTR variant (1), non-coding transcript variant (1).
Genome position (GRCh38, 1-based): chr2:166,041,295-166,041,296, AA deleted on the plus strand (TT on the coding strand, the reverse complement: SCN1A is on the minus strand); deleting any 2 consecutive bases within chr2:166,041,295-166,041,298 gives the same sequence; the c. name uses the placement nearest the transcript's 3' end. VCF-style (leftmost placement, unchanged base first): chr2-166041294-GAA-G. GRCh37 (hg19) VCF-style: chr2-166897804-GAA-G.
Other names: c.2266_2267del, p.Phe756fs (NM_001353958.2, NM_001165964.3, NM_001353957.2); c.2317_2318del, p.Phe773fs (NM_006920.6, NM_001353949.2, NM_001353950.2 and 2 more transcripts); c.2263_2264del, p.Phe755fs (NM_001353960.2); c.-109_-108del (NM_001353961.2); c.2350_2351del, p.Phe784fs (NM_001202435.3, NM_001353948.2); c.2314_2315del, p.Phe772fs (NM_001353954.2, NM_001353955.2); short protein forms F772fs, F755fs, F756fs, F773fs, F784fs.
Identifiers: ClinVar variation 461250 (VCV000461250.9), dbSNP rs1553543215, ClinGen allele CA658657110.